The following is an entry in ClinVar:

NM_004006.3(DMD):c.9111G>C (p.Gln3037His)

Gene: DMD (dystrophin; minus strand). Cytogenetic location: Xp21.2.
Variant type: single nucleotide variant.
Coding change: c.9111G>C on transcript NM_004006.3 (MANE Select); coding-DNA position 9111, G replaced by C.
Protein change: p.Gln3037His; replaces glutamine 3037 with histidine.
Molecular consequence: missense variant.
Genome position (GRCh38, 1-based): chrX:31,348,608, C>G on the plus strand (G>C on the coding strand, the complement: DMD is on the minus strand). VCF-style: chrX-31348608-C-G. GRCh37 (hg19) VCF-style: chrX-31366725-C-G.
Other names: c.9087G>C, p.Gln3029His (NM_000109.4); c.9099G>C, p.Gln3033His (NM_004009.3); c.8742G>C, p.Gln2914His (NM_004010.3); c.5088G>C, p.Gln1696His (NM_004011.4); c.5079G>C, p.Gln1693His (NM_004012.4); c.1731G>C, p.Gln577His (NM_004013.3, NM_004020.4, NM_004021.3 and 2 more transcripts); c.924G>C, p.Gln308His (NM_004014.3); short protein forms Q1693H, Q2914H, Q577H, Q3029H, Q1696H, Q308H, Q3033H, Q3037H.
Identifiers: ClinVar variation 2827686 (VCV002827686.3), dbSNP rs946146600, ClinGen allele CA328421580.

ClinVar aggregate classification (germline): Uncertain significance (1 of 4 stars; one submission).

Conditions:
Duchenne muscular dystrophy (DMD). Also called: MUSCULAR DYSTROPHY, PSEUDOHYPERTROPHIC PROGRESSIVE, DUCHENNE TYPE; Duchenne Muscular Dystrophy (DMD). Identifiers: Orphanet 98896, MedGen C0013264, MONDO:0010679, OMIM 310200.

Allele frequency attached by ClinVar (database versions not stated): TOPMed 0.00001.
gnomAD v4.1: 6 of 1,210,869 alleles (0.0005%); highest among the groups gnomAD compares: Non-Finnish European, 0.00067%; no homozygotes.

Submission:

Labcorp Genetics (formerly Invitae), Labcorp
Classification: Uncertain significance for Duchenne muscular dystrophy. Last evaluated: 2024-05-27. Review status: criteria provided, single submitter. Criteria: Invitae Variant Classification Sherloc (09022015). Collection method: clinical testing. Allele origin: germline.
Comment: This sequence change replaces glutamine, which is neutral and polar, with histidine, which is basic and polar, at codon 3037 of the DMD protein (p.Gln3037His). This variant is present in population databases (no rsID available, gnomAD 0.001%). This variant has not been reported in the literature in individuals affected with DMD-related conditions. Advanced modeling of protein sequence and biophysical properties (such as structural, functional, and spatial information, amino acid conservation, physicochemical variation, residue mobility, and thermodynamic stability) performed at Invitae indicates that this missense variant is not expected to disrupt DMD protein function with a negative predictive value of 95%. In summary, the available evidence is currently insufficient to determine the role of this variant in disease. Therefore, it has been classified as a Variant of Uncertain Significance.